The following is an entry in ClinVar:

NM_000059.4(BRCA2):c.1818G>A (p.Pro606=)

Gene: BRCA2 (BRCA2 DNA repair associated; plus strand). Cytogenetic location: 13q13.1.
Variant type: single nucleotide variant.
Coding change: c.1818G>A on transcript NM_000059.4 (MANE Select); coding-DNA position 1818, G replaced by A.
Protein change: p.Pro606=; no amino-acid change (proline 606 retained).
Molecular consequence: synonymous variant.
Genome position (GRCh38, 1-based): chr13:32,333,296, G>A. VCF-style: chr13-32333296-G-A. GRCh37 (hg19) VCF-style: chr13-32907433-G-A.
Identifiers: ClinVar variation 183776 (VCV000183776.36), dbSNP rs76844014, ClinGen allele CA013449.
Genomic context (GRCh38, chr13:32,333,296, plus strand): 5'-AACAAATAAGTTTATTTATGCTATACATGATGAAACATCTTATAAAGGAAAAAAAATACC[G>A]AAAGACCAAAAATCAGAACTAATTAACTGTTCAGCCCAGTTTGAAGCAAATGCTTTTGAA-3'
Protein context (NP_000050.3, residues 596-616): DETSYKGKKI[Pro606=]KDQKSELINC

ClinVar aggregate classification (germline): Likely benign. Review status: reviewed by expert panel (3 of 4 stars). 16 submissions from 16 submitters: Likely benign (1). 15 of the submissions do not count toward it. Last evaluated 2017-06-29.

Conditions:
BRCA2-related disorder. Also called: BRCA2-related condition; BRCA2-related disorders. Identifiers: MedGen CN239275.
Breast and/or ovarian cancer. Identifiers: MedGen CN221562.
Hereditary cancer-predisposing syndrome. Also called: Tumor predisposition; Neoplastic Syndromes, Hereditary; Hereditary neoplastic syndrome; Hereditary Cancer Syndrome. Identifiers: Orphanet 140162, MedGen C0027672, MeSH D009386, MONDO:0015356.
Hereditary breast ovarian cancer syndrome. Also called: Hereditary breast and ovarian cancer syndrome; Hereditary breast and ovarian cancer syndrome (HBOC); Hereditary breast and ovarian cancer; Breast and ovarian cancer; BRCA1- and BRCA2-Associated Hereditary Breast and Ovarian Cancer; Hereditary breast and/or ovarian cancer syndrome. Identifiers: Orphanet 145, MedGen C0677776, MeSH D061325, MONDO:0003582. Disease mechanism: loss of function.
Breast-ovarian cancer, familial, susceptibility to, 2 (BROVCA2). Also called: BRCA2 Hereditary Breast and Ovarian Cancer. Identifiers: Orphanet 145, MedGen C2675520, MONDO:0012933, OMIM 612555. Disease mechanism: loss of function.
Familial cancer of breast. Also called: BREAST CANCER, FAMILIAL; hereditary breast carcinoma; Hereditary breast cancer. Identifiers: Orphanet 227535, MedGen C0346153, MONDO:0016419, OMIM 114480. Disease mechanism: loss of function.
Malignant tumor of breast. Also called: Malignant breast neoplasm; Cancer breast. Identifiers: MedGen C0006142, MONDO:0007254. Disease mechanism: loss of function.

Allele frequency attached by ClinVar (database versions not stated): gnomAD exomes 0.00005 and 0.00002; gnomAD 0.00001; TOPMed 0.00003; ExAC 0.00004.
gnomAD v4.1: 25 of 1,604,782 alleles (0.0016%); highest among the groups gnomAD compares: Middle Eastern, 0.017%; no homozygotes.

Submissions (16):

Evidence-based Network for the Interpretation of Germline Mutant Alleles (ENIGMA)
Classification: Likely benign for Breast-ovarian cancer, familial, susceptibility to, 2. Last evaluated: 2017-06-29. Review status: reviewed by expert panel. Criteria: ENIGMA BRCA1/2 Classification Criteria (2017-06-29). Collection method: curation. Allele origin: germline.
Comment: Synonymous substitution variant, with low bioinformatic likelihood to result in a splicing aberration (Splicing prior probability 0.02).

Labcorp Genetics (formerly Invitae), Labcorp
Classification: Likely benign for Hereditary breast ovarian cancer syndrome. Last evaluated: 2026-01-11. Review status: criteria provided, single submitter. Criteria: Invitae Variant Classification Sherloc (09022015). Collection method: clinical testing. Allele origin: germline. Not counted in ClinVar's aggregate classification.

Institute for Biomarker Research, Medical Diagnostic Laboratories, L.L.C.
Classification: Likely benign for Hereditary breast ovarian cancer syndrome. Last evaluated: 2025-08-11. Review status: criteria provided, single submitter. Criteria: ACMG Guidelines, 2015. Collection method: clinical testing. Allele origin: germline. Not counted in ClinVar's aggregate classification.
Comment: The synonymous variant NM_000059.4(BRCA2):c.1818G>A (p.Pro606=) has been reported to ClinVar as Likely benign with a status of (3 stars) reviewed by expert panel (Variation ID 183776 as of 2025-07-03). The p.Pro606= variant is not predicted to disrupt an existing splice site. The p.Pro606= variant results in a substitution of a base that is not predicted conserved by GERP++ and PhyloP. For these reasons, this variant has been classified as Likely Benign.

ARUP Laboratories, Molecular Genetics and Genomics, ARUP Laboratories
Classification: Likely benign. Last evaluated: 2025-06-12. Review status: criteria provided, single submitter. Criteria: ARUP Molecular Germline Variant Investigation Process 2024. Collection method: clinical testing. Allele origin: germline. Not counted in ClinVar's aggregate classification.

Blueprint Genetics
Classification: Likely benign. Last evaluated: 2024-05-29. Review status: criteria provided, single submitter. Criteria: ACMG Guidelines, 2015. Collection method: clinical testing. Allele origin: germline. Not counted in ClinVar's aggregate classification.

CHEO Genetics Diagnostic Laboratory, Children's Hospital of Eastern Ontario
Classification: Likely benign for Breast and/or ovarian cancer. Last evaluated: 2022-09-29. Review status: criteria provided, single submitter. Criteria: ACMG Guidelines, 2015. Collection method: clinical testing. Allele origin: germline. Not counted in ClinVar's aggregate classification.

GeneDx
Classification: Likely benign. Last evaluated: 2020-10-23. Review status: criteria provided, single submitter. Criteria: GeneDx Variant Classification Process June 2021. Collection method: clinical testing. Allele origin: germline. Affected: yes. Not counted in ClinVar's aggregate classification.
Comment: This variant is associated with the following publications: (PMID: 20104584)

Quest Diagnostics Nichols Institute San Juan Capistrano
Classification: Likely benign. Last evaluated: 2020-04-03. Review status: criteria provided, single submitter. Criteria: Quest Diagnostics criteria. Collection method: clinical testing. Allele origin: unknown. Not counted in ClinVar's aggregate classification.

Women's Health and Genetics/Laboratory Corporation of America, LabCorp
Classification: Likely benign. Last evaluated: 2019-08-21. Review status: criteria provided, single submitter. Criteria: LabCorp Variant Classification Summary - May 2015. Collection method: clinical testing. Allele origin: germline. Not counted in ClinVar's aggregate classification.

Baylor Genetics
Classification: Benign for Familial cancer of breast. Last evaluated: 2017-02-23. Review status: criteria provided, single submitter. Criteria: ACMG Guidelines, 2015. Collection method: clinical testing. Allele origin: germline. Inheritance: Autosomal dominant inheritance. Affected: no. Not counted in ClinVar's aggregate classification.

Color Diagnostics, LLC DBA Color Health
Classification: Likely benign for Hereditary cancer-predisposing syndrome. Last evaluated: 2016-01-06. Review status: criteria provided, single submitter. Criteria: ACMG Guidelines, 2015. Collection method: clinical testing. Allele origin: germline. Not counted in ClinVar's aggregate classification.

Ambry Genetics
Classification: Likely benign for Hereditary cancer-predisposing syndrome. Last evaluated: 2015-06-01. Review status: criteria provided, single submitter. Criteria: Ambry Variant Classification Scheme 2023. Collection method: clinical testing. Allele origin: germline. Not counted in ClinVar's aggregate classification.

PreventionGenetics, part of Exact Sciences
Classification: Likely benign for BRCA2-related condition. Last evaluated: 2019-04-29. Review status: no assertion criteria provided. Collection method: clinical testing. Allele origin: germline. Not counted in ClinVar's aggregate classification.
Comment: This variant is classified as likely benign based on ACMG/AMP sequence variant interpretation guidelines (Richards et al. 2015 PMID: 25741868, with internal and published modifications).

Department of Pathology and Laboratory Medicine, Sinai Health System
Classification: Likely benign for Malignant tumor of breast. Review status: no assertion criteria provided. Collection method: clinical testing. Allele origin: unknown. Affected: yes. Observed: 1 variant allele. Study: The Canadian Open Genetics Repository (COGR). Not counted in ClinVar's aggregate classification.
Comment: The BRCA2 p.Pro606Pro variant was identified in the literature in an individual with breast cancer; however, control chromosomes from healthy individuals were not analyzed in this study (Borg 2010). The variant was also identified in dbSNP (ID: rs76844014) and in UMD (3X as an unclassified variant), but was not identified in the NHLBI Exome Sequencing Project (Exome Variant Server), HGMD, LOVD, COSMIC, or BIC databases. The variant is not expected to have clinical significance because it does not result in a change of amino acid and is not located in a known consensus splice site, and in silico or computational prediction software programs (SpliceSiteFinder, MaxEntScan, NNSPLICE, GeneSplicer, HumanSpliceFinder) do not predict a difference in splicing. In summary, based on the above information, the clinical significance of this variant cannot be determined with certainty at this time although we would lean towards a more benign role for this variant. This variant is classified as predicted benign.

Diagnostic Laboratory, Department of Genetics, University Medical Center Groningen
Classification: Likely benign. Review status: no assertion criteria provided. Collection method: clinical testing. Allele origin: germline. Affected: yes. Study: VKGL Data-share Consensus. Not counted in ClinVar's aggregate classification.

Joint Genome Diagnostic Labs from Nijmegen and Maastricht, Radboudumc and MUMC+
Classification: Likely benign. Review status: no assertion criteria provided. Collection method: clinical testing. Allele origin: germline. Affected: yes. Study: VKGL Data-share Consensus. Not counted in ClinVar's aggregate classification.

Literature cited by the submitters: PubMed 20104584 (cited by Quest Diagnostics Nichols Institute San Juan Capistrano).